The following is an entry in ClinVar:

NM_004035.7(ACOX1):c.1771C>T (p.Arg591Cys)

Gene: ACOX1 (acyl-CoA oxidase 1; minus strand). Cytogenetic location: 17q25.1.
Variant type: single nucleotide variant.
Coding change: c.1771C>T on transcript NM_004035.7 (MANE Select); coding-DNA position 1771, C replaced by T.
Protein change: p.Arg591Cys; replaces arginine 591 with cysteine.
Molecular consequence: missense variant.
Genome position (GRCh38, 1-based): chr17:75,948,415, G>A on the plus strand (C>T on the coding strand, the complement: ACOX1 is on the minus strand). VCF-style: chr17-75948415-G-A. GRCh37 (hg19) VCF-style: chr17-73944496-G-A.
Other names: c.1657C>T, p.Arg553Cys (NM_001185039.2); c.1771C>T, p.Arg591Cys (NM_007292.6); short protein forms R591C, R553C.
Identifiers: ClinVar variation 259221 (VCV000259221.27), dbSNP rs35629489, ClinGen allele CA8776660.

ClinVar aggregate classification (germline): Benign/Likely benign. Review status: criteria provided, multiple submitters, no conflicts (2 of 4 stars). 8 submissions from 8 submitters: Benign (2); Likely benign (1). 5 of the submissions do not count toward it. Last evaluated 2026-01-31.

Conditions:
ACOX1-related disorder. Also called: ACOX1-related condition; ACOX1-related disorders.
Acyl-CoA oxidase deficiency. Also called: STRAIGHT-CHAIN ACYL-CoA OXIDASE DEFICIENCY; Pseudoneonatal adrenoleukodystrophy; Peroxisomal acyl-CoA oxidase deficiency. Identifiers: Orphanet 2971, MedGen C1849678, MONDO:0009919, OMIM 264470. Disease mechanism: loss of function.

Allele frequency attached by ClinVar (database versions not stated): gnomAD 0.00908; TOPMed 0.00928; ESP Exome Variant Server 0.00946; 1000 Genomes Project 0.01378; 1000 Genomes Project 30x 0.01483.
gnomAD v4.1: 4,252 of 1,614,062 alleles (0.26%); highest among the groups gnomAD compares: African/African-American, 2.6%; 41 homozygotes.

Submissions (20):

Labcorp Genetics (formerly Invitae), Labcorp
Classification: Benign for Acyl-CoA oxidase deficiency. Last evaluated: 2026-01-31. Review status: criteria provided, single submitter. Criteria: Invitae Variant Classification Sherloc (09022015). Collection method: clinical testing. Allele origin: germline.

Illumina Laboratory Services, Illumina
Classification: Benign for Acyl-CoA oxidase deficiency. Last evaluated: 2018-01-13. Review status: criteria provided, single submitter. Criteria: ICSL Variant Classification Criteria 13 December 2019. Collection method: clinical testing. Allele origin: germline.
Comment: This variant was observed in the ICSL laboratory as part of a predisposition screen in an ostensibly healthy population. It had not been previously curated by ICSL or reported in the Human Gene Mutation Database (HGMD: prior to June 1st, 2018), and was therefore a candidate for classification through an automated scoring system. Utilizing variant allele frequency, disease prevalence and penetrance estimates, and inheritance mode, an automated score was calculated to assess if this variant is too frequent to cause the disease. Based on the score and internal cut-off values, a variant classified as benign is not then subjected to further curation. The score for this variant resulted in a classification of benign for this disease.

Breakthrough Genomics
Classification: Likely benign. Review status: criteria provided, single submitter. Criteria: ACMG Guidelines, 2015. Collection method: not provided. Allele origin: germline. Inheritance: Autosomal recessive inheritance. Affected: yes.

Natera, Inc.
Classification: Benign for Peroxisomal acyl CoA oxidase deficiency. Last evaluated: 2020-09-16. Review status: no assertion criteria provided. Collection method: clinical testing. Allele origin: germline. Not counted in ClinVar's aggregate classification.

PreventionGenetics, part of Exact Sciences
Classification: Benign for ACOX1-related condition. Last evaluated: 2019-12-10. Review status: no assertion criteria provided. Collection method: clinical testing. Allele origin: germline. Not counted in ClinVar's aggregate classification.
Comment: This variant is classified as benign based on ACMG/AMP sequence variant interpretation guidelines (Richards et al. 2015 PMID: 25741868, with internal and published modifications).

Mayo Clinic Laboratories, Mayo Clinic
Classification: Benign. Last evaluated: 2016-10-14. Review status: no assertion criteria provided. Collection method: clinical testing. Allele origin: unknown. Not counted in ClinVar's aggregate classification.

Dr. Peter K. Rogan Lab, Western University
No classification provided (evidence only). Condition: Clear cell carcinoma of kidney. Review status: no classification provided. Collection method: in vitro. Allele origin: not applicable. Functional consequence: skipped exon. Not counted in ClinVar's aggregate classification.

Dr. Peter K. Rogan Lab, Western University
No classification provided (evidence only). Condition: Clear cell carcinoma of kidney. Review status: no classification provided. Collection method: in vitro. Allele origin: not applicable. Functional consequence: skipped exon. Not counted in ClinVar's aggregate classification.

Dr. Peter K. Rogan Lab, Western University
No classification provided (evidence only). Condition: Melanoma. Review status: no classification provided. Collection method: in vitro. Allele origin: not applicable. Functional consequence: skipped exon. Not counted in ClinVar's aggregate classification.

Dr. Peter K. Rogan Lab, Western University
No classification provided (evidence only). Condition: Thyroid cancer, nonmedullary, 1. Review status: no classification provided. Collection method: in vitro. Allele origin: not applicable. Functional consequence: retained intron. Not counted in ClinVar's aggregate classification.

Dr. Peter K. Rogan Lab, Western University
No classification provided (evidence only). Condition: Uterine corpus endometrial carcinoma. Review status: no classification provided. Collection method: in vitro. Allele origin: not applicable. Functional consequence: skipped exon. Not counted in ClinVar's aggregate classification.

Dr. Peter K. Rogan Lab, Western University
No classification provided (evidence only). Condition: Cervical cancer. Review status: no classification provided. Collection method: in vitro. Allele origin: not applicable. Functional consequence: skipped exon, retained intron. Not counted in ClinVar's aggregate classification.

Dr. Peter K. Rogan Lab, Western University
No classification provided (evidence only). Condition: Sarcoma. Review status: no classification provided. Collection method: in vitro. Allele origin: not applicable. Functional consequence: skipped exon, retained intron. Not counted in ClinVar's aggregate classification.

Dr. Peter K. Rogan Lab, Western University
No classification provided (evidence only). Condition: Hepatocellular carcinoma. Review status: no classification provided. Collection method: in vitro. Allele origin: not applicable. Functional consequence: skipped exon. Not counted in ClinVar's aggregate classification.

Dr. Peter K. Rogan Lab, Western University
No classification provided (evidence only). Condition: Hepatocellular carcinoma. Review status: no classification provided. Collection method: in vitro. Allele origin: not applicable. Functional consequence: skipped exon. Not counted in ClinVar's aggregate classification.

Dr. Peter K. Rogan Lab, Western University
No classification provided (evidence only). Condition: Thymoma. Review status: no classification provided. Collection method: in vitro. Allele origin: not applicable. Functional consequence: skipped exon. Not counted in ClinVar's aggregate classification.

Dr. Peter K. Rogan Lab, Western University
No classification provided (evidence only). Condition: Gastric cancer. Review status: no classification provided. Collection method: in vitro. Allele origin: not applicable. Functional consequence: retained intron. Not counted in ClinVar's aggregate classification.

Dr. Peter K. Rogan Lab, Western University
No classification provided (evidence only). Condition: Adrenocortical carcinoma, hereditary. Review status: no classification provided. Collection method: in vitro. Allele origin: not applicable. Functional consequence: skipped exon. Not counted in ClinVar's aggregate classification.

Joint Genome Diagnostic Labs from Nijmegen and Maastricht, Radboudumc and MUMC+
Classification: Benign. Review status: no assertion criteria provided. Collection method: clinical testing. Allele origin: germline. Affected: yes. Study: VKGL Data-share Consensus. Not counted in ClinVar's aggregate classification.

Laboratory of Diagnostic Genome Analysis, Leiden University Medical Center (LUMC)
Classification: Likely benign. Review status: no assertion criteria provided. Collection method: clinical testing. Allele origin: germline. Affected: yes. Study: VKGL Data-share Consensus. Not counted in ClinVar's aggregate classification.